The following is an entry in ClinVar:

ClinVar aggregate classification (germline): Conflicting classifications of pathogenicity. Review status: criteria provided, conflicting classifications (1 of 4 stars). 6 submissions from 6 submitters: Pathogenic (2); Likely pathogenic (1); Uncertain significance (3). Last evaluated 2025-11-21.

Conditions:
Cardiovascular phenotype. Identifiers: MedGen CN230736.
Cardiomyopathy (CMYO). Also called: Cardiomyopathies. Identifiers: Orphanet 167848, MedGen C0878544, MONDO:0004994, HP:0001638. Inheritance: Various modes of inheritance.
Primary dilated cardiomyopathy (DCM). Also called: Dilated Cardiomyopathy. Identifiers: Orphanet 217604, MedGen C0007193, MeSH D002311, MONDO:0005021, HP:0001644. Inheritance: Various modes of inheritance.
Dilated cardiomyopathy 1DD (CMD1DD). Identifiers: Orphanet 154, MedGen C2750995, MONDO:0013168, OMIM 613172.

Submissions (6):

Labcorp Genetics (formerly Invitae), Labcorp
Classification: Pathogenic for Dilated cardiomyopathy 1DD. Last evaluated: 2025-11-21. Review status: criteria provided, single submitter. Criteria: Invitae Variant Classification Sherloc (09022015). Collection method: clinical testing. Allele origin: germline.
Comment: This sequence change creates a premature translational stop signal (p.Ser1087Argfs*17) in the RBM20 gene. It is expected to result in an absent or disrupted protein product. Loss-of-function variants in RBM20 are known to be pathogenic (PMID: 20590677, 22004663, 38288598, 38510713, 40339755). This variant is present in population databases (no rsID available, gnomAD 0.002%). This premature translational stop signal has been observed in individual(s) with dilated cardiomyopathy (PMID: 36578016). ClinVar contains an entry for this variant (Variation ID: 2691238). For these reasons, this variant has been classified as Pathogenic.

Molecular Diagnostic Laboratory for Inherited Cardiovascular Disease, Montreal Heart Institute
Classification: Pathogenic for Cardiovascular phenotype. Last evaluated: 2025-06-09. Review status: criteria provided, single submitter. Criteria: ACMG Guidelines, 2015. Collection method: clinical testing. Allele origin: germline. Affected: yes.
Comment: PVS1;PS4;PP1

Ambry Genetics
Classification: Uncertain significance for Cardiovascular phenotype. Last evaluated: 2025-01-22. Review status: criteria provided, single submitter. Criteria: Ambry Variant Classification Scheme 2023. Collection method: clinical testing. Allele origin: germline.
Comment: The c.3261_3262delCCinsG variant, located in coding exon 11 of the RBM20 gene, results from the deletion of two nucleotides and insertion of one nucleotide causing a translational frameshift with a predicted alternate stop codon (p.S1087Rfs*17). This variant was reported in individual(s) with features consistent with dilated cardiomyopathy (Mazzarotto F et al. Circulation. 2020 Feb;141(5):387-398). This alteration is expected to result in loss of function by premature protein truncation or nonsense-mediated mRNA decay. However, loss of function of RBM20 has not been clearly established as a mechanism of disease. Based on the available evidence, the clinical significance of this variant remains unclear.

CHEO Genetics Diagnostic Laboratory, Children's Hospital of Eastern Ontario
Classification: Uncertain significance for Cardiomyopathy. Last evaluated: 2023-01-12. Review status: criteria provided, single submitter. Criteria: ACMG Guidelines, 2015. Collection method: clinical testing. Allele origin: germline.

GeneDx
Classification: Uncertain significance. Last evaluated: 2019-08-30. Review status: criteria provided, single submitter. Criteria: GeneDx Variant Classification Process June 2021. Collection method: clinical testing. Allele origin: germline. Affected: yes.
Comment: Has not been previously published as pathogenic or benign to our knowledge; Not observed in large population cohorts (Lek et al., 2016); Frameshift variant predicted to result in protein truncation or nonsense mediated decay in a gene for which loss-of-function is not a known mechanism of disease; The majority of RBM20 variants reported in HGMD in association with cardiomyopathy are missense variants (Stenson et al., 2014); This variant is associated with the following publications: (PMID: 20590677, 19712804, 22004663)

Laboratory for Molecular Medicine, Mass General Brigham Personalized Medicine
Classification: Likely pathogenic for Primary dilated cardiomyopathy. Last evaluated: 2017-03-23. Review status: criteria provided, single submitter. Criteria: LMM Criteria. Collection method: clinical testing. Allele origin: germline. Observed: 7 variant alleles.
Comment: The p.Ser1087fs variant in RBM20 has been reported by our laboratory in 2 indivi duals with DCM and segregated with disease in 4 affected relatives from 1 family . This variant was absent from large population studies, though the ability of t hese studies to accurately detect indels may be limited. This variant is predict ed to cause a frameshift, which alters the protein?s amino acid sequence beginni ng at position 1087 and leads to a premature termination codon 17 amino acids do wnstream. This alteration is then predicted to lead to a truncated or absent pro tein. In summary, although additional studies are required to fully establish it s clinical significance, the p.Ser1087fs variant is likely pathogenic.

Literature cited by the submitters: PubMed 20590677 (cited by Labcorp Genetics (formerly Invitae), Labcorp and Laboratory for Molecular Medicine, Mass General Brigham Personalized Medicine); PubMed 22004663 (cited by Labcorp Genetics (formerly Invitae), Labcorp); PubMed 38288598 (cited by Labcorp Genetics (formerly Invitae), Labcorp); PubMed 38510713 (cited by Labcorp Genetics (formerly Invitae), Labcorp); PubMed 40339755 (cited by Labcorp Genetics (formerly Invitae), Labcorp); PubMed 36578016 (cited by Labcorp Genetics (formerly Invitae), Labcorp); PubMed 31983221 (cited by Ambry Genetics); PubMed 37652022 (cited by Ambry Genetics); PubMed 19712804 (cited by Laboratory for Molecular Medicine, Mass General Brigham Personalized Medicine).

NM_001134363.3(RBM20):c.3261_3262delinsG (p.Ser1087fs)

Gene: RBM20 (RNA binding motif protein 20; plus strand). Cytogenetic location: 10q25.2.
Variant type: Indel.
Coding change: c.3261_3262delinsG on transcript NM_001134363.3 (MANE Select); coding-DNA positions 3261 to 3262, CC replaced by G.
Protein change: p.Ser1087fs; shifts the reading frame from serine 1087.
Molecular consequence: frameshift variant.
Genome position (GRCh38, 1-based): chr10:110,821,880-110,821,881, CC replaced by G. VCF-style: chr10-110821880-CC-G. GRCh37 (hg19) VCF-style: chr10-112581638-CC-G.
Other names: short protein forms S1087fs.
Identifiers: ClinVar variation 179284 (VCV000179284.20), dbSNP rs727504763, ClinGen allele CA184119.
Genomic context (GRCh38, chr10:110,821,880, plus strand): 5'-GACCAGGGGGACCCCCGAAGATGGGGCTTGTGAAGGCAGCCCCCTGGAGGAGAAAGCCAG[CC>G]CCCCCATCGAAACTGACCTCCAAAACCAAGCTTGCCAAGAAGTGTTGACCCCGGGTAACT-3'